The following is an entry in ClinVar:

NM_000268.4(NF2):c.1232G>A (p.Arg411His)

Gene: NF2 (NF2, moesin-ezrin-radixin like (MERLIN) tumor suppressor; plus strand). Cytogenetic location: 22q12.2.
Variant type: single nucleotide variant.
Coding change: c.1232G>A on transcript NM_000268.4 (MANE Select); coding-DNA position 1232, G replaced by A.
Protein change: p.Arg411His; replaces arginine 411 with histidine.
Molecular consequence: missense variant. On other transcripts: non-coding transcript variant (1), intron variant (1).
Genome position (GRCh38, 1-based): chr22:29,673,378, G>A. VCF-style: chr22-29673378-G-A. GRCh37 (hg19) VCF-style: chr22-30069367-G-A.
Other names: c.1232G>A, p.Arg411His (NM_016418.5, NM_181825.3, NM_181832.3); c.1106G>A, p.Arg369His (NM_181828.3); c.1109G>A, p.Arg370His (NM_181829.3); c.983G>A, p.Arg328His (NM_181830.3, NM_181831.3); c.448-21374G>A (NM_181833.3); short protein forms R411H, R328H, R369H, R370H.
Identifiers: ClinVar variation 527695 (VCV000527695.24), dbSNP rs201214090, ClinGen allele CA037304.

ClinVar aggregate classification (germline): Conflicting classifications of pathogenicity. Review status: criteria provided, conflicting classifications (1 of 4 stars). 8 submissions from 8 submitters: Uncertain significance (5); Benign (1); Likely benign (2). Last evaluated 2026-01-07.

Conditions:
Hereditary cancer-predisposing syndrome. Also called: Tumor predisposition; Hereditary neoplastic syndrome; Neoplastic Syndromes, Hereditary; Hereditary Cancer Syndrome. Identifiers: Orphanet 140162, MedGen C0027672, MeSH D009386, MONDO:0015356.
SMARCB1-related schwannomatosis. Also called: Schwannomatosis 1; SWNTS1. Identifiers: Orphanet 93921, MedGen C4048809, MONDO:0024517, OMIM 162091. Disease mechanism: loss of function.
Neurofibromatosis, type 2 (SWNV). Also called: NF2-Related Schwannomatosis; BILATERAL ACOUSTIC NEUROFIBROMATOSIS; SCHWANNOMATOSIS, VESTIBULAR. Identifiers: Orphanet 637, MedGen C0027832, MONDO:0007039, OMIM 101000. Disease mechanism: loss of function.
Familial meningioma. Also called: Meningioma, familial, susceptibility to. Identifiers: Orphanet 263662, MedGen C3551915, MONDO:0011789, OMIM 607174.

Allele frequency attached by ClinVar (database versions not stated): gnomAD 0.00001; ExAC 0.00002; gnomAD exomes 0.00002 and 0.00003; TOPMed 0.00003.
gnomAD v4.1: 28 of 1,610,898 alleles (0.0017%); highest among the groups gnomAD compares: Admixed American, 0.01%; no homozygotes.

Submissions (8):

Labcorp Genetics (formerly Invitae), Labcorp
Classification: Likely benign for Neurofibromatosis, type 2. Last evaluated: 2026-01-07. Review status: criteria provided, single submitter. Criteria: Invitae Variant Classification Sherloc (09022015). Collection method: clinical testing. Allele origin: germline.

Color Diagnostics, LLC DBA Color Health
Classification: Benign for Neurofibromatosis, type 2. Last evaluated: 2025-06-26. Review status: criteria provided, single submitter. Criteria: ACMG Guidelines, 2015. Collection method: clinical testing. Allele origin: germline.

GeneDx
Classification: Uncertain significance. Last evaluated: 2023-10-11. Review status: criteria provided, single submitter. Criteria: GeneDx Variant Classification Process June 2021. Collection method: clinical testing. Allele origin: germline. Affected: yes.
Comment: In silico analysis supports that this missense variant has a deleterious effect on protein structure/function; Has not been previously published as pathogenic or benign to our knowledge; This variant is associated with the following publications: (PMID: 16324214, 17134719, 22482125, 27930734)

Ambry Genetics
Classification: Likely benign for Hereditary cancer-predisposing syndrome. Last evaluated: 2023-05-19. Review status: criteria provided, single submitter. Criteria: Ambry Variant Classification Scheme 2023. Collection method: clinical testing. Allele origin: germline.

Genome-Nilou Lab
Classification: Uncertain significance for Neurofibromatosis, type 2. Last evaluated: 2021-11-07. Review status: criteria provided, single submitter. Criteria: ACMG Guidelines, 2015. Collection method: clinical testing. Allele origin: germline. Affected: no.

Broad Center for Mendelian Genomics, Broad Institute of MIT and Harvard
Classification: Uncertain significance. Last evaluated: 2020-01-22. Review status: criteria provided, single submitter. Criteria: ACMG Guidelines, 2015. Collection method: curation. Allele origin: germline.
Comment: The p.Arg411His variant in NF2 has not been previously reported in individuals with Neurofibromatosis but has been identified in 0.01181% (4/33872) of Latino chromosomes, 0.003403% (1/29382) of South Asian chromosomes, and 0.0009079% (1/110142) of European (non-Finnish) chromosomes by the Genome Aggregation Database (gnomAD; dbSNP rs201214090). This variant has also been reported as a VUS in ClinVar (Variation ID: 527695). Computational prediction tools and conservation analyses do not provide strong support for or against an impact to the protein. One additional variant, resulting in a different amino acid change at the same position, p.Arg411Cys, has been reported as a VUS in association with disease in ClinVar (Variation ID: 567682). In summary, while the clinical significance of the p.Arg411His variant is uncertain, these data suggest that it is more likely to be benign. ACMG/AMP Criteria applied: BS1 (Richards 2015).

Centre for Mendelian Genomics, University Medical Centre Ljubljana
Classification: Uncertain significance for Familial meningioma. Last evaluated: 2019-12-05. Review status: criteria provided, single submitter. Criteria: ACMG Guidelines, 2015. Collection method: clinical testing. Allele origin: unknown. Affected: yes.
Comment: This variant was classified as: Uncertain significance. The available evidence on this variant's pathogenicity is insufficient or conflicting. The following ACMG criteria were applied in classifying this variant: PP3,BS2.

Fulgent Genetics
Classification: Uncertain significance for Neurofibromatosis, type 2; SMARCB1-related schwannomatosis; Familial meningioma. Last evaluated: 2018-10-31. Review status: criteria provided, single submitter. Criteria: ACMG Guidelines, 2015. Collection method: clinical testing. Allele origin: unknown.

Literature cited by the submitters: PubMed 27930734 (cited by Ambry Genetics).